The following is an entry in ClinVar:

NM_001754.5(RUNX1):c.857A>G (p.Gln286Arg)

Gene: RUNX1 (RUNX family transcription factor 1; minus strand). Cytogenetic location: 21q22.12.
Variant type: single nucleotide variant.
Coding change: c.857A>G on transcript NM_001754.5 (MANE Select); coding-DNA position 857, A replaced by G.
Protein change: p.Gln286Arg; replaces glutamine 286 with arginine.
Molecular consequence: missense variant.
Genome position (GRCh38, 1-based): chr21:34,799,411, T>C on the plus strand (A>G on the coding strand, the complement: RUNX1 is on the minus strand). VCF-style: chr21-34799411-T-C. GRCh37 (hg19) VCF-style: chr21-36171708-T-C.
Other names: NM_001754.5(RUNX1):c.857A>G; p.Gln286Arg; c.776A>G, p.Gln259Arg (NM_001001890.3); short protein forms Q259R, Q286R.
Identifiers: ClinVar variation 4158181 (VCV004158181.2).

ClinVar aggregate classification (germline): Uncertain significance. Review status: reviewed by expert panel (3 of 4 stars). 2 submissions from 2 submitters: Uncertain significance (1). 1 of the submissions does not count toward it. Last evaluated 2026-05-27.

Conditions:
Hereditary thrombocytopenia and hematologic cancer predisposition syndrome. Identifiers: Orphanet 71290, MedGen CN281654, MONDO:0011071.
Inborn genetic diseases. Identifiers: MedGen C0950123, MeSH D030342.

gnomAD v4.1: 1 of 1,614,156 alleles (0.000062%); highest among the groups gnomAD compares: Non-Finnish European, 0.000085%; no homozygotes.

Submissions (2):

ClinGen Myeloid Malignancy Variant Curation Expert Panel
Classification: Uncertain significance for Hereditary thrombocytopenia and hematologic cancer predisposition syndrome. Last evaluated: 2026-05-27. Review status: reviewed by expert panel. Criteria: ClinGen MyeloMalig ACMG Specifications V3.1. Collection method: curation. Allele origin: germline. Inheritance: Autosomal dominant inheritance.
Comment: NM_001754.5(RUNX1):c.856C>A (p.Gln286Lys) is a missense variant which has a REVEL score <0.50 (0.11) and a SpliceAI score ≤0.20 (0.00) (BP4). In summary, the clinical significance of this variant is uncertain. ACMG/AMP criteria applied, as specified by the Myeloid Malignancy Variant Curation Expert Panel for RUNX1: BP4.

Ambry Genetics
Classification: Uncertain significance for Inborn genetic diseases. Last evaluated: 2025-06-21. Review status: criteria provided, single submitter. Criteria: Ambry Variant Classification Scheme 2023. Collection method: clinical testing. Allele origin: germline. Not counted in ClinVar's aggregate classification.
Comment: The p.Q286R variant (also known as c.857A>G), located in coding exon 7 of the RUNX1 gene, results from an A to G substitution at nucleotide position 857. The glutamine at codon 286 is replaced by arginine, an amino acid with highly similar properties. This amino acid position is conserved. In addition, this alteration is predicted to be tolerated by in silico analysis. Based on the available evidence, the clinical significance of this variant remains unclear.